The following is an entry in ClinVar:

NM_005911.6(MAT2A):c.1176G>C (p.Lys392Asn)

Genes: GGCX (gamma-glutamyl carboxylase; minus strand), MAT2A (methionine adenosyltransferase 2A; plus strand). Cytogenetic location: 2p11.2.
Variant type: single nucleotide variant.
Coding change: c.1176G>C on transcript NM_005911.6 (MANE Select); coding-DNA position 1176, G replaced by C.
Protein change: p.Lys392Asn; replaces lysine 392 with asparagine.
Molecular consequence: missense variant.
Genome position (GRCh38, 1-based): chr2:85,543,760, G>C. VCF-style: chr2-85543760-G-C. GRCh37 (hg19) VCF-style: chr2-85770883-G-C.
Other names: short protein forms K392N.
Identifiers: ClinVar variation 4737953 (VCV004737953.1).
Genomic context (GRCh38, chr2:85,543,760, plus strand): 5'-GAGGACTGCAGCCTATGGCCACTTTGGTAGGGACAGCTTCCCATGGGAAGTGCCCAAAAA[G>C]CTTAAATATTGAAAGTGTTAGCCTTTTTTCCCCAGACTTGTTGGCGTAGGCTACAGAGAA-3'
Protein context (NP_005902.1, residues 382-395): RDSFPWEVPK[Lys392Asn]LKY

ClinVar aggregate classification (germline): Uncertain significance (1 of 4 stars; one submission).

Conditions:
Familial thoracic aortic aneurysm and aortic dissection (TAAD). Also called: Thoracic aortic aneurysms and dissections. Identifiers: Orphanet 91387, MedGen C4707243, MONDO:0019625.

Submission:

Labcorp Genetics (formerly Invitae), Labcorp
Classification: Uncertain significance for Familial thoracic aortic aneurysm and aortic dissection. Last evaluated: 2025-03-27. Review status: criteria provided, single submitter. Criteria: Invitae Variant Classification Sherloc (09022015). Collection method: clinical testing. Allele origin: germline.
Comment: This sequence change replaces lysine, which is basic and polar, with asparagine, which is neutral and polar, at codon 392 of the MAT2A protein (p.Lys392Asn). The frequency data for this variant in the population databases is considered unreliable, as metrics indicate poor data quality at this position in the gnomAD database. This variant has not been reported in the literature in individuals affected with MAT2A-related conditions. Invitae Evidence Modeling of protein sequence and biophysical properties (such as structural, functional, and spatial information, amino acid conservation, physicochemical variation, residue mobility, and thermodynamic stability) indicates that this missense variant is not expected to disrupt MAT2A protein function with a negative predictive value of 80%. In summary, the available evidence is currently insufficient to determine the role of this variant in disease. Therefore, it has been classified as a Variant of Uncertain Significance.